The following is an entry in ClinVar:

ClinVar aggregate classification (germline): Likely benign (0 of 4 stars; one submission).

Conditions:
WNT9B-related disorder. Also called: WNT9B-related condition.

Allele frequency attached by ClinVar (database versions not stated): TOPMed 0.00195; 1000 Genomes Project 0.00220; ExAC 0.00012; 1000 Genomes Project 30x 0.00312; gnomAD exomes 0.00037; gnomAD 0.00179.
gnomAD v4.1: 379 of 436,620 alleles (0.087%); highest among the groups gnomAD compares: African/African-American, 0.58%; 2 homozygotes.

Submission:

PreventionGenetics, part of Exact Sciences
Classification: Likely benign for WNT9B-related condition. Last evaluated: 2019-10-28. Review status: no assertion criteria provided. Collection method: clinical testing. Allele origin: germline.
Comment: This variant is classified as likely benign based on ACMG/AMP sequence variant interpretation guidelines (Richards et al. 2015 PMID: 25741868, with internal and published modifications).

NM_001320458.2(WNT9B):c.963G>A (p.Ala321=)

Genes: LRRC37A2 (leucine rich repeat containing 37 member A2), WNT9B (Wnt family member 9B; plus strand). Cytogenetic location: 17q21.32.
Variant type: single nucleotide variant.
Coding change: c.963G>A on transcript NM_001320458.2; coding-DNA position 963, G replaced by A.
Protein change: p.Ala321=; no amino-acid change (alanine 321 retained).
Molecular consequence: synonymous variant.
Genome position (GRCh38, 1-based): chr17:46,885,092, G>A. VCF-style: chr17-46885092-G-A. GRCh37 (hg19) VCF-style: chr17-44962458-G-A.
Identifiers: ClinVar variation 3040481 (VCV003040481.2), dbSNP rs145757598, ClinGen allele CA8621080.
Genomic context (GRCh38, chr17:46,885,092, plus strand): 5'-AGGTTGGAGTGCAGTGGCAAGATCTCAGCTCATCACAACCTCCACCTCCCGGATTCAAGC[G>A]ATTCTCCCGTCTCAGCTGCCTGAGTAACTGGGATTACAGGCATGCACCACCACGCCTGAC-3'